The following is an entry in ClinVar:

NM_014491.4(FOXP2):c.734C>T (p.Pro245Leu)

Gene: FOXP2 (forkhead box P2; plus strand). Cytogenetic location: 7q31.1.
Variant type: single nucleotide variant.
Coding change: c.734C>T on transcript NM_014491.4 (MANE Select); coding-DNA position 734, C replaced by T.
Protein change: p.Pro245Leu; replaces proline 245 with leucine.
Molecular consequence: missense variant. On other transcripts: non-coding transcript variant (2).
Genome position (GRCh38, 1-based): chr7:114,631,664, C>T. VCF-style: chr7-114631664-C-T. GRCh37 (hg19) VCF-style: chr7-114271719-C-T.
Other names: c.731C>T, p.Pro244Leu (NM_001172766.3); c.809C>T, p.Pro270Leu (NM_001172767.2, NM_148898.4); c.-616C>T (NM_001172777.1); c.734C>T, p.Pro245Leu (NM_148899.3); c.785C>T, p.Pro262Leu (NM_148900.4); short protein forms P244L, P245L, P262L, P270L.
Identifiers: ClinVar variation 2576916 (VCV002576916.1), dbSNP rs1438512681, ClinGen allele CA368962935.
Genomic context (GRCh38, chr7:114,631,664, plus strand): 5'-AACAACTCCAGCAGCAGCAGCATCTGCTCAGCCTTCAGCGTCAGGGACTCATCTCCATTC[C>T]ACCTGGCCAGGCAGCACTTCCTGTCCAATCGCTGCCTCAAGGTACATACAAAATGTTGTG-3'
Protein context (NP_055306.1, residues 235-255): SLQRQGLISI[Pro245Leu]PGQAALPVQS

ClinVar aggregate classification (germline): Uncertain significance (1 of 4 stars; one submission).

Allele frequency attached by ClinVar (database versions not stated): TOPMed below 0.00001.

Submission:

GeneDx
Classification: Uncertain significance. Last evaluated: 2023-02-21. Review status: criteria provided, single submitter. Criteria: GeneDx Variant Classification Process June 2021. Collection method: clinical testing. Allele origin: germline. Affected: yes.
Comment: Not observed at significant frequency in large population cohorts (gnomAD); In silico analysis supports that this missense variant has a deleterious effect on protein structure/function; Has not been previously published as pathogenic or benign to our knowledge